The following is an entry in ClinVar:

ClinVar aggregate classification (germline): Pathogenic. Review status: reviewed by expert panel (3 of 4 stars). 2 submissions from 2 submitters: Pathogenic (1). 1 of the submissions does not count toward it. Last evaluated 2022-01-04.

Conditions:
Glycogen storage disease, type II (IOPD). Also called: CARDIOMEGALIA GLYCOGENICA DIFFUSA; GLYCOGENOSIS, GENERALIZED, CARDIAC FORM; GSD II; POMPE DISEASE, INFANTILE-ONSET; GLYCOGEN STORAGE DISEASE II, INFANTILE-ONSET; ACID ALPHA-GLUCOSIDASE DEFICIENCY, INFANTILE-ONSET. Identifiers: Orphanet 365, MedGen C0017921, MONDO:0009290, OMIM 232300.

Submissions (2):

ClinGen Lysosomal Storage Disorder Variant Curation Expert Panel
Classification: Pathogenic for Glycogen storage disease, type II. Last evaluated: 2022-01-04. Review status: reviewed by expert panel. Criteria: clingen_lsd_acmg_specifications_v2-1. Collection method: curation. Allele origin: germline. Inheritance: Autosomal recessive inheritance.
Comment: The NM_000152.5(GAA):c.2380del (p.Arg794ValfsTer12) variant in GAA is a frameshift variant predicted to cause a premature stop codon in biologically-relevant-exon 17/20, leading to nonsense mediated decay in a gene in which loss-of-function is an established disease mechanism (PVS1). One patient with this variant has been reported with infantile onset Pompe disease and <1% GAA normal GAA activity in skin fibroblasts (PMIDs 18458862) (PP4_Moderate). This patient is compound heterozygous for the c.2380del variant and a variant in GAA that has been classified as pathogenic by the ClinGen LSD VCEP, c.1935C>A (p.Asp645Glu). The phase is unknown (PMIDs 10338092, 18458862) (PM3_Supporting). The variant is absent in gnomAD v2.1.1 (PM2_Supporting). There is no ClinVar entry for this variant. In summary, this variant meets the criteria to be classified as pathogenic for Pompe disease, based on the ACMG/AMP criteria applied, as specified by the ClinGen Lysosomal Storage Disorders Variant Curation Expert panel. ACMG/AMP criteria applied (specifications version 2.0): PVS1, PP4_Moderate, PM2_Supporting, PM3_Supporting.

Genomenon, Inc
Classification: Pathogenic for Glycogen storage disease, type II. Last evaluated: 2026-07-01. Review status: criteria provided, single submitter. Criteria: Genomenon Sequence Variant Interpretation Standards - Updated. Collection method: curation. Allele origin: germline. Affected: yes. Not counted in ClinVar's aggregate classification.
Comment: GAA p.Arg794ValfsTer12 (c.2380del) is a frameshift variant that is predicted to introduce a premature termination codon and result in a truncated or absent protein product. This variant has been observed in at least one proband with a GAA-related disorder (PMID:18458862). It is absent or not present at a significant frequency in gnomAD. In conclusion, we classify GAA p.Arg794ValfsTer12 (c.2380del) as a pathogenic variant.

Literature cited by the submitters: PubMed 18458862 (cited by Genomenon, Inc).

NM_000152.5(GAA):c.2380del (p.Arg794fs)

Gene: GAA (alpha glucosidase; plus strand). Cytogenetic location: 17q25.3.
Variant type: Deletion.
Coding change: c.2380del on transcript NM_000152.5 (MANE Select); coding-DNA position 2380, one base deleted (C; older notation c.2380delC).
Protein change: p.Arg794fs; shifts the reading frame from arginine 794.
Molecular consequence: frameshift variant.
Genome position (GRCh38, 1-based): chr17:80,117,648, C deleted; the last of 4 consecutive C bases (chr17:80,117,645-80,117,648); deleting any one gives the same sequence. VCF-style (leftmost placement, unchanged base first): chr17-80117644-TC-T. GRCh37 (hg19) VCF-style: chr17-78091443-TC-T.
Other names: NM_001079804.3:c.2380del; c.2380del, p.Arg794fs (NM_001079803.3, NM_001079804.3); short protein forms R794fs.
Identifiers: ClinVar variation 1693544 (VCV001693544.2), dbSNP rs2143924649, ClinGen allele CA658795287.